The following is an entry in ClinVar:

NM_001287.6(CLCN7):c.1134C>G (p.Phe378Leu)

Gene: CLCN7 (chloride voltage-gated channel 7; minus strand). Cytogenetic location: 16p13.3.
Variant type: single nucleotide variant.
Coding change: c.1134C>G on transcript NM_001287.6 (MANE Select); coding-DNA position 1134, C replaced by G.
Protein change: p.Phe378Leu; replaces phenylalanine 378 with leucine.
Molecular consequence: missense variant.
Genome position (GRCh38, 1-based): chr16:1,454,430, G>C on the plus strand (C>G on the coding strand, the complement: CLCN7 is on the minus strand). VCF-style: chr16-1454430-G-C. GRCh37 (hg19) VCF-style: chr16-1504431-G-C.
Other names: c.1062C>G, p.Phe354Leu (NM_001114331.3); short protein forms F354L, F378L.
Identifiers: ClinVar variation 2694969 (VCV002694969.3), dbSNP rs779244927, ClinGen allele CA7810432.

ClinVar aggregate classification (germline): Uncertain significance (1 of 4 stars; one submission).

Allele frequency attached by ClinVar (database versions not stated): ExAC 0.00001.

Submission:

Labcorp Genetics (formerly Invitae), Labcorp
Classification: Uncertain significance. Last evaluated: 2023-11-10. Review status: criteria provided, single submitter. Criteria: Invitae Variant Classification Sherloc (09022015). Collection method: clinical testing. Allele origin: germline.
Comment: This sequence change replaces phenylalanine, which is neutral and non-polar, with leucine, which is neutral and non-polar, at codon 378 of the CLCN7 protein (p.Phe378Leu). This variant is not present in population databases (gnomAD no frequency). This variant has not been reported in the literature in individuals affected with CLCN7-related conditions. An algorithm developed to predict the effect of missense changes on protein structure and function (PolyPhen-2) suggests that this variant is likely to be disruptive. In summary, the available evidence is currently insufficient to determine the role of this variant in disease. Therefore, it has been classified as a Variant of Uncertain Significance.